The following is an entry in ClinVar:

ClinVar aggregate classification (germline): Uncertain significance. Review status: criteria provided, multiple submitters, no conflicts (2 of 4 stars). 2 submissions from 2 submitters: Uncertain significance (2). Last evaluated 2025-12-08.

Conditions:
Inborn genetic diseases. Identifiers: MedGen C0950123, MeSH D030342.

Allele frequency attached by ClinVar (database versions not stated): gnomAD exomes below 0.00001.
gnomAD v4.1: 3 of 1,613,000 alleles (0.00019%); highest among the groups gnomAD compares: East Asian, 0.0022%; no homozygotes.

Submissions (2):

Ambry Genetics
Classification: Uncertain significance for Inborn genetic diseases. Last evaluated: 2025-12-08. Review status: criteria provided, single submitter. Criteria: Ambry Variant Classification Scheme 2023. Collection method: clinical testing. Allele origin: germline.

Labcorp Genetics (formerly Invitae), Labcorp
Classification: Uncertain significance. Last evaluated: 2022-08-19. Review status: criteria provided, single submitter. Criteria: Invitae Variant Classification Sherloc (09022015). Collection method: clinical testing. Allele origin: germline.
Comment: This sequence change replaces arginine, which is basic and polar, with threonine, which is neutral and polar, at codon 1107 of the TBCD protein (p.Arg1107Thr). This variant is not present in population databases (gnomAD no frequency). This variant has not been reported in the literature in individuals affected with TBCD-related conditions. Algorithms developed to predict the effect of missense changes on protein structure and function (SIFT, PolyPhen-2, Align-GVGD) all suggest that this variant is likely to be tolerated. In summary, the available evidence is currently insufficient to determine the role of this variant in disease. Therefore, it has been classified as a Variant of Uncertain Significance.

NM_005993.5(TBCD):c.3320G>C (p.Arg1107Thr)

Gene: TBCD (tubulin folding cofactor D). Cytogenetic location: 17q25.3.
Variant type: single nucleotide variant.
Coding change: c.3320G>C on transcript NM_005993.5 (MANE Select); coding-DNA position 3320, G replaced by C.
Protein change: p.Arg1107Thr; replaces arginine 1107 with threonine.
Molecular consequence: missense variant.
Genome position (GRCh38, 1-based): chr17:82,938,087, G>C. VCF-style: chr17-82938087-G-C. GRCh37 (hg19) VCF-style: chr17-80895963-G-C.
Other names: c.3269G>C, p.Arg1090Thr (NM_001411101.1); c.3239G>C, p.Arg1080Thr (NM_001411102.1); c.3320G>C (NM_005993.4); short protein forms R1080T, R1090T, R1107T.
Identifiers: ClinVar variation 2066768 (VCV002066768.2), dbSNP rs995738015, ClinGen allele CA295284020.